The following is an entry in ClinVar:

NM_000110.4(DPYD):c.2994T>C (p.Ile998=)

Gene: DPYD (dihydropyrimidine dehydrogenase; minus strand). Cytogenetic location: 1p21.3.
Variant type: single nucleotide variant.
Coding change: c.2994T>C on transcript NM_000110.4 (MANE Select); coding-DNA position 2994, T replaced by C.
Protein change: p.Ile998=; no amino-acid change (isoleucine 998 retained).
Molecular consequence: synonymous variant.
Genome position (GRCh38, 1-based): chr1:97,079,060, A>G on the plus strand (T>C on the coding strand, the complement: DPYD is on the minus strand). VCF-style: chr1-97079060-A-G. GRCh37 (hg19) VCF-style: chr1-97544616-A-G.
Identifiers: ClinVar variation 2638935 (VCV002638935.24), dbSNP rs1465795668, ClinGen allele CA419136569.
Genomic context (GRCh38, chr1:97,079,060, plus strand): 5'-GGGTACGCCTCTCTTTGGTTCATAAGGTGTTGTCCTGGAAACCATTTTGATGCAGTCGAC[A>G]ATAGGGCAAACACTGAGACACAGAGTACAGCCTGTACAAGTGTCGGTTATGGTGGGCAGG-3'
Protein context (NP_000101.2, residues 988-1008): GCTLCLSVCP[Ile998=]VDCIKMVSRT

ClinVar aggregate classification (germline): Likely benign (1 of 4 stars; one submission).

Submission:

CeGaT Center for Human Genetics Tuebingen
Classification: Likely benign. Last evaluated: 2022-05-01. Review status: criteria provided, single submitter. Criteria: CeGaT Center For Human Genetics Tuebingen Variant Classification Criteria Version 2. Collection method: clinical testing. Allele origin: germline. Affected: yes. Observed: 1 variant allele.
Comment: DPYD: PM2:Supporting, BP4, BP7